The following is an entry in ClinVar:

ClinVar aggregate classification (germline): Uncertain significance (1 of 4 stars; one submission).

Conditions:
Hereditary cancer-predisposing syndrome. Also called: Hereditary Cancer Syndrome; Neoplastic Syndromes, Hereditary; Tumor predisposition; Hereditary neoplastic syndrome. Identifiers: Orphanet 140162, MedGen C0027672, MeSH D009386, MONDO:0015356.

Allele frequency attached by ClinVar (database versions not stated): gnomAD exomes 0.00001.
gnomAD v4.1: 9 of 1,611,030 alleles (0.00056%); highest among the groups gnomAD compares: Non-Finnish European, 0.00076%; no homozygotes.

Submission:

Color Diagnostics, LLC DBA Color Health
Classification: Uncertain significance for Hereditary cancer-predisposing syndrome. Last evaluated: 2023-12-05. Review status: criteria provided, single submitter. Criteria: ACMG Guidelines, 2015. Collection method: clinical testing. Allele origin: germline.
Comment: This missense variant replaces isoleucine with threonine at codon 1404 of the ATM protein. Computational prediction suggests that this variant may not impact protein structure and function (internally defined REVEL score threshold <= 0.5, PMID: 27666373). To our knowledge, functional studies have not been reported for this variant. This variant has not been reported in individuals affected with ATM-related disorders in the literature. This variant has not been identified in the general population by the Genome Aggregation Database (gnomAD). The available evidence is insufficient to determine the role of this variant in disease conclusively. Therefore, this variant is classified as a Variant of Uncertain Significance.

NM_000051.4(ATM):c.4211T>C (p.Ile1404Thr)

Gene: ATM (ATM serine/threonine kinase; plus strand). Cytogenetic location: 11q22.3.
Variant type: single nucleotide variant.
Coding change: c.4211T>C on transcript NM_000051.4 (MANE Select); coding-DNA position 4211, T replaced by C.
Protein change: p.Ile1404Thr; replaces isoleucine 1404 with threonine.
Molecular consequence: missense variant.
Genome position (GRCh38, 1-based): chr11:108,289,078, T>C. VCF-style: chr11-108289078-T-C. GRCh37 (hg19) VCF-style: chr11-108159805-T-C.
Other names: c.4211T>C, p.Ile1404Thr (NM_001351834.2); short protein forms I1404T.
Identifiers: ClinVar variation 490559 (VCV000490559.6), dbSNP rs1555096989, ClinGen allele CA382530479.
Genomic context (GRCh38, chr11:108,289,078, plus strand): 5'-ATGTGATTAAAGCAACATTTGCCTATATCAGCAATTGTCATAAAACCAAGTTAAAAAGCA[T>C]TTTAGAAATTCTTTCCAAAAGCCCTGTAAGTATACATGATGAGTTTAATAATAGAACATT-3'
Protein context (NP_000042.3, residues 1394-1414): SNCHKTKLKS[Ile1404Thr]LEILSKSPDS